The following is an entry in ClinVar:

NM_015443.4(KANSL1):c.2664del (p.Ser889fs)

Gene: KANSL1 (KAT8 regulatory NSL complex subunit 1). Cytogenetic location: 17q21.31.
Variant type: Deletion.
Coding change: c.2664del on transcript NM_015443.4 (MANE Select); coding-DNA position 2664, one base deleted.
Protein change: p.Ser889fs; shifts the reading frame from serine 889.
Molecular consequence: frameshift variant.
Genome position: GRCh38 VCF-style: chr17-46034162-TG-T. GRCh37 (hg19) VCF-style: chr17-44111528-TG-T.
Other names: c.2661del, p.Ser888fs (NM_001193465.2, NM_001405856.1, NM_001405857.1 and 1 more transcripts); c.2664del, p.Ser889fs (NM_001193466.2, NM_001379198.1, NM_001405854.1 and 4 more transcripts); c.2562del, p.Ser855fs (NM_001405859.1, NM_001405860.1); c.2559del, p.Ser854fs (NM_001405861.1, NM_001405881.1); c.2475del, p.Ser826fs (NM_001405875.1, NM_001405876.1, NM_001405877.1 and 1 more transcripts); c.2472del, p.Ser825fs (NM_001405879.1, NM_001405880.1); c.1398del, p.Ser467fs (NM_001405882.1); c.1395del, p.Ser466fs (NM_001405883.1); and 2 more; short protein forms S467fs, S825fs, S854fs, S404fs, S403fs, S466fs, S855fs, S889fs.
Identifiers: ClinVar variation 2821971 (VCV002821971.3), dbSNP rs2510405389, ClinGen allele CA2739267591.

ClinVar aggregate classification (germline): Pathogenic (1 of 4 stars; one submission).

Conditions:
Koolen-de Vries syndrome (KDVS). Identifiers: Orphanet 96169, MedGen C1864871, MONDO:0012496, OMIM 610443.

Submission:

Labcorp Genetics (formerly Invitae), Labcorp
Classification: Pathogenic for Koolen-de Vries syndrome. Last evaluated: 2022-12-20. Review status: criteria provided, single submitter. Criteria: Invitae Variant Classification Sherloc (09022015). Collection method: clinical testing. Allele origin: germline.
Comment: For these reasons, this variant has been classified as Pathogenic. This variant has not been reported in the literature in individuals affected with KANSL1-related conditions. This variant is not present in population databases (gnomAD no frequency). This sequence change creates a premature translational stop signal (p.Ser889Alafs*10) in the KANSL1 gene. It is expected to result in an absent or disrupted protein product. Loss-of-function variants in KANSL1 are known to be pathogenic (PMID: 22544363, 22544367).

Literature cited by the submitters: PubMed 22544363; PubMed 22544367.